The following is an entry in ClinVar:

NM_001348768.2(HECW2):c.4020A>G (p.Leu1340=)

Gene: HECW2 (HECT, C2 and WW domain containing E3 ubiquitin protein ligase 2; minus strand). Cytogenetic location: 2q32.3.
Variant type: single nucleotide variant.
Coding change: c.4020A>G on transcript NM_001348768.2 (MANE Select); coding-DNA position 4020, A replaced by G.
Protein change: p.Leu1340=; no amino-acid change (leucine 1340 retained).
Molecular consequence: synonymous variant.
Genome position (GRCh38, 1-based): chr2:196,222,337, T>C on the plus strand (A>G on the coding strand, the complement: HECW2 is on the minus strand). VCF-style: chr2-196222337-T-C. GRCh37 (hg19) VCF-style: chr2-197087061-T-C.
Other names: c.2952A>G, p.Leu984= (NM_001304840.3); c.4020A>G, p.Leu1340= (NM_020760.4).
Identifiers: ClinVar variation 767834 (VCV000767834.7), dbSNP rs16847486, ClinGen allele CA2037599.

ClinVar aggregate classification (germline): Benign. Review status: criteria provided, multiple submitters, no conflicts (2 of 4 stars). 4 submissions from 4 submitters: Benign (3). 1 of the submissions does not count toward it. Last evaluated 2019-03-04.

Conditions:
HECW2-related disorder. Also called: HECW2-related condition.

Allele frequency attached by ClinVar (database versions not stated): gnomAD exomes 0.00782; ExAC 0.00956; 1000 Genomes Project 0.02796; gnomAD 0.03002 and 0.03215; 1000 Genomes Project 30x 0.03014; TOPMed 0.03409; ESP Exome Variant Server 0.03483.
gnomAD v4.1: 8,867 of 1,613,110 alleles (0.55%); highest among the groups gnomAD compares: African/African-American, 10%; 387 homozygotes.

Submissions (4):

Labcorp Genetics (formerly Invitae), Labcorp
Classification: Benign. Last evaluated: 2019-03-04. Review status: criteria provided, single submitter. Criteria: Invitae Variant Classification Sherloc (09022015). Collection method: clinical testing. Allele origin: germline.

GeneDx
Classification: Benign. Last evaluated: 2018-06-15. Review status: criteria provided, single submitter. Criteria: GeneDx Variant Classification Process June 2021. Collection method: clinical testing. Allele origin: germline. Affected: yes.

Breakthrough Genomics
Classification: Benign. Review status: criteria provided, single submitter. Criteria: ACMG Guidelines, 2015. Collection method: not provided. Allele origin: germline. Inheritance: Autosomal dominant inheritance. Affected: yes.

PreventionGenetics, part of Exact Sciences
Classification: Benign for HECW2-related condition. Last evaluated: 2019-04-02. Review status: no assertion criteria provided. Collection method: clinical testing. Allele origin: germline. Not counted in ClinVar's aggregate classification.
Comment: This variant is classified as benign based on ACMG/AMP sequence variant interpretation guidelines (Richards et al. 2015 PMID: 25741868, with internal and published modifications).